The following is an entry in ClinVar:

ClinVar aggregate classification (germline): Uncertain significance (1 of 4 stars; one submission).

Conditions:
ATRX-related disorder. Also called: ATRX-related condition.

Allele frequency attached by ClinVar (database versions not stated): gnomAD exomes below 0.00001.
gnomAD v4.1: 1 of 1,209,184 alleles (0.000083%); highest among the groups gnomAD compares: Non-Finnish European, 0.00011%; no homozygotes.

Submission:

PreventionGenetics, part of Exact Sciences
Classification: Uncertain significance for ATRX-related condition. Last evaluated: 2023-06-05. Review status: criteria provided, single submitter. Criteria: ACMG Guidelines, 2015. Collection method: clinical testing. Allele origin: germline.
Comment: The ATRX c.987G>C variant is predicted to result in the amino acid substitution p.Lys329Asn. To our knowledge, this variant has not been reported in the literature or in a large population database, indicating this variant is rare. At this time, the clinical significance of this variant is uncertain due to the absence of conclusive functional and genetic evidence.

NM_000489.6(ATRX):c.987G>C (p.Lys329Asn)

Gene: ATRX (ATRX chromatin remodeler; minus strand). Cytogenetic location: Xq21.1.
Variant type: single nucleotide variant.
Coding change: c.987G>C on transcript NM_000489.6 (MANE Select); coding-DNA position 987, G replaced by C.
Protein change: p.Lys329Asn; replaces lysine 329 with asparagine.
Molecular consequence: missense variant.
Genome position (GRCh38, 1-based): chrX:77,684,269, C>G on the plus strand (G>C on the coding strand, the complement: ATRX is on the minus strand). VCF-style: chrX-77684269-C-G. GRCh37 (hg19) VCF-style: chrX-76939761-C-G.
Other names: c.873G>C, p.Lys291Asn (NM_138270.5); short protein forms K291N, K329N.
Identifiers: ClinVar variation 2628594 (VCV002628594.1), dbSNP rs2148633084, ClinGen allele CA413719975.
Genomic context (GRCh38, chrX:77,684,269, plus strand): 5'-GGGCACAATTAGTGCGGAATAAGAGTAGGTTACAGAGCCAGAACAGGAATCATCTAATTT[C>G]TTTTCTTCTCCATTACAATTTGAACTAGTCTTCTTTGGAGAAAATCTGGATGTATGTTCA-3'
Protein context (NP_000480.3, residues 319-339): KTSSNCNGEE[Lys329Asn]KLDDSCSGSV